The following is an entry in ClinVar:

NM_001308093.3(GATA4):c.74C>G (p.Ala25Gly)

Gene: GATA4 (GATA binding protein 4). Cytogenetic location: 8p23.1.
Variant type: single nucleotide variant.
Coding change: c.74C>G on transcript NM_001308093.3 (MANE Select); coding-DNA position 74, C replaced by G.
Protein change: p.Ala25Gly; replaces alanine 25 with glycine.
Molecular consequence: missense variant. On other transcripts: intron variant (3).
Genome position (GRCh38, 1-based): chr8:11,708,386, C>G. VCF-style: chr8-11708386-C-G. GRCh37 (hg19) VCF-style: chr8-11565895-C-G.
Other names: c.74C>G, p.Ala25Gly (NM_002052.5); c.-6+7608C>G (NM_001308094.2); c.-3+372C>G (NM_001374274.1); c.-3+4082C>G (NM_001374273.1); short protein forms A25G.
Identifiers: ClinVar variation 3664769 (VCV003664769.2).
Genomic context (GRCh38, chr8:11,708,386, plus strand): 5'-TGGCCATGGCCGCCAACCACGGGCCGCCCCCCGGTGCCTACGAGGCGGGCGGCCCCGGCG[C>G]CTTCATGCACGGCGCGGGCGCCGCGTCCTCGCCAGTCTACGTGCCCACACCGCGGGTGCC-3'
Protein context (NP_001295022.1, residues 15-35): PGAYEAGGPG[Ala25Gly]FMHGAGAASS

ClinVar aggregate classification (germline): Uncertain significance (1 of 4 stars; one submission).

Conditions:
Atrioventricular septal defect 4 (AVSD4). Identifiers: MedGen C3280781, MONDO:0013747, OMIM 614430.

gnomAD v4.1: 4 of 1,550,790 alleles (0.00026%); highest among the groups gnomAD compares: South Asian, 0.0012%; no homozygotes.

Submission:

Labcorp Genetics (formerly Invitae), Labcorp
Classification: Uncertain significance for Atrioventricular septal defect 4. Last evaluated: 2024-04-12. Review status: criteria provided, single submitter. Criteria: Invitae Variant Classification Sherloc (09022015). Collection method: clinical testing. Allele origin: germline.
Comment: This sequence change replaces alanine, which is neutral and non-polar, with glycine, which is neutral and non-polar, at codon 25 of the GATA4 protein (p.Ala25Gly). This variant is not present in population databases (gnomAD no frequency). This variant has not been reported in the literature in individuals affected with GATA4-related conditions. An algorithm developed to predict the effect of missense changes on protein structure and function (PolyPhen-2) suggests that this variant is likely to be tolerated. In summary, the available evidence is currently insufficient to determine the role of this variant in disease. Therefore, it has been classified as a Variant of Uncertain Significance.